The following is an entry in ClinVar:

NM_000141.5(FGFR2):c.1977G>C (p.Lys659Asn)

Gene: FGFR2 (fibroblast growth factor receptor 2; minus strand). Cytogenetic location: 10q26.13.
Variant type: single nucleotide variant.
Coding change: c.1977G>C on transcript NM_000141.5 (MANE Select); coding-DNA position 1977, G replaced by C.
Protein change: p.Lys659Asn; replaces lysine 659 with asparagine.
Molecular consequence: missense variant. On other transcripts: non-coding transcript variant (1).
Genome position (GRCh38, 1-based): chr10:121,488,000, C>G on the plus strand (G>C on the coding strand, the complement: FGFR2 is on the minus strand). VCF-style: chr10-121488000-C-G. GRCh37 (hg19) VCF-style: chr10-123247514-C-G.
Other names: c.1980G>C, p.Lys660Asn (NM_001144913.1, NM_022970.4); c.1641G>C, p.Lys547Asn (NM_001144914.1); c.1710G>C, p.Lys570Asn (NM_001144915.2, NM_023029.3); c.1632G>C, p.Lys544Asn (NM_001144916.2); c.1629G>C, p.Lys543Asn (NM_001144917.2); c.1626G>C, p.Lys542Asn (NM_001144918.2); c.1713G>C, p.Lys571Asn (NM_001144919.2); c.1293G>C, p.Lys431Asn (NM_001320654.2); and 1 more; short protein forms K542N, K543N, K544N, K570N, K571N, K547N, K657N, K660N.
Identifiers: ClinVar variation 661397 (VCV000661397.11), dbSNP rs1589722765, ClinGen allele CA378314117.

ClinVar aggregate classification (germline): Pathogenic. Review status: criteria provided, multiple submitters, no conflicts (2 of 4 stars). 3 submissions from 3 submitters: Pathogenic (3). Last evaluated 2023-01-13.

Conditions:
FGFR2-related craniosynostosis. Identifiers: MedGen CN231480.
FGFR2-related disorder. Identifiers: MedGen CN380096.

Submissions (3):

PreventionGenetics, part of Exact Sciences
Classification: Pathogenic for FGFR2-related condition. Last evaluated: 2023-01-13. Review status: criteria provided, single submitter. Criteria: ACMG Guidelines, 2015. Collection method: clinical testing. Allele origin: germline.
Comment: The FGFR2 c.1977G>C variant is predicted to result in the amino acid substitution p.Lys659Asn. To our knowledge, this variant has not been reported in the literature or in a large population database, indicating this variant is rare. An alternative nucleotide change (c.1977G>T) resulting in the same amino acid change (p.Lys659Asn) has been previously reported as a de novo variant in an individual with syndromic craniosynostosis (Kan et al. 2002. PubMed ID: 11781872), and an individual with delayed development and multiple congenital anomalies (Zhao et al. 2018. PubMed ID: 28990276). In silico prediction analysis and functional studies have found that the p.Lys659Asn change is associated with a damaging effect on FGFR2 protein kinase activation which leads to gain of function in craniosynostosis syndromes (Chen et al. 2013. PubMed ID: 23871672; Doss and Chakraborty. 2013. PubMed ID: 23754559). In summary, the c.1977G>C (p.Lys659Asn) variant is interpreted as pathogenic.

Labcorp Genetics (formerly Invitae), Labcorp
Classification: Pathogenic for FGFR2-related craniosynostosis. Last evaluated: 2022-02-08. Review status: criteria provided, single submitter. Criteria: Invitae Variant Classification Sherloc (09022015). Collection method: clinical testing. Allele origin: germline.
Comment: This variant is not present in population databases (gnomAD no frequency). This sequence change replaces lysine, which is basic and polar, with asparagine, which is neutral and polar, at codon 659 of the FGFR2 protein (p.Lys659Asn). This missense change has been observed in individual(s) with FGFR2-related craniosynostosis (PMID: 28990276). In at least one individual the variant was observed to be de novo. ClinVar contains an entry for this variant (Variation ID: 661397). Algorithms developed to predict the effect of missense changes on protein structure and function (SIFT, PolyPhen-2, Align-GVGD) all suggest that this variant is likely to be disruptive. Experimental studies have shown that this missense change affects FGFR2 function (PMID: 17803937). For these reasons, this variant has been classified as Pathogenic.

GeneDx
Classification: Pathogenic. Last evaluated: 2021-06-29. Review status: criteria provided, single submitter. Criteria: GeneDx Variant Classification Process June 2021. Collection method: clinical testing. Allele origin: germline. Affected: yes.
Comment: Published functional studies investigating the K659N protein change demonstrate a damaging effect on kinase activation (Chen H et al., 2013); Not observed at significant frequency in large population cohorts (Lek et al., 2016); In silico analysis supports that this missense variant has a deleterious effect on protein structure/function; Has not been previously published in association with germline disease to our knowledge; This variant is associated with the following publications: (PMID: 23754559, 27535533, 11781872, 33710807, 23871672, 28990276)

Literature cited by the submitters: PubMed 28990276 (cited by Labcorp Genetics (formerly Invitae), Labcorp); PubMed 17803937 (cited by Labcorp Genetics (formerly Invitae), Labcorp).